The following is an entry in ClinVar:

ClinVar aggregate classification (germline): Uncertain significance. Review status: criteria provided, multiple submitters, no conflicts (2 of 4 stars). 2 submissions from 2 submitters: Uncertain significance (2). Last evaluated 2025-06-16.

Conditions:
Inborn genetic diseases. Identifiers: MedGen C0950123, MeSH D030342.

Submissions (2):

Labcorp Genetics (formerly Invitae), Labcorp
Classification: Uncertain significance. Last evaluated: 2025-06-16. Review status: criteria provided, single submitter. Criteria: Invitae Variant Classification Sherloc (09022015). Collection method: clinical testing. Allele origin: germline.
Comment: This sequence change replaces glycine, which is neutral and non-polar, with serine, which is neutral and polar, at codon 189 of the KDM1A protein (p.Gly189Ser). This variant is present in population databases (no rsID available, gnomAD 0.003%). This variant has not been reported in the literature in individuals affected with KDM1A-related conditions. ClinVar contains an entry for this variant (Variation ID: 3863274). An algorithm developed to predict the effect of missense changes on protein structure and function (PolyPhen-2) suggests that this variant is likely to be tolerated. In summary, the available evidence is currently insufficient to determine the role of this variant in disease. Therefore, it has been classified as a Variant of Uncertain Significance.

Ambry Genetics
Classification: Uncertain significance for Inborn genetic diseases. Last evaluated: 2025-01-17. Review status: criteria provided, single submitter. Criteria: Ambry Variant Classification Scheme 2023. Collection method: clinical testing. Allele origin: germline.
Comment: The p.G189S variant (also known as c.565G>A), located in coding exon 3 of the KDM1A gene, results from a G to A substitution at nucleotide position 565. The glycine at codon 189 is replaced by serine, an amino acid with similar properties. This amino acid position is conserved. In addition, this alteration is predicted to be tolerated by in silico analysis. Based on the available evidence, the clinical significance of this variant remains unclear.

NM_001009999.3(KDM1A):c.565G>A (p.Gly189Ser)

Gene: KDM1A (lysine demethylase 1A; plus strand). Cytogenetic location: 1p36.12.
Variant type: single nucleotide variant.
Coding change: c.565G>A on transcript NM_001009999.3 (MANE Select); coding-DNA position 565, G replaced by A.
Protein change: p.Gly189Ser; replaces glycine 189 with serine.
Molecular consequence: missense variant. On other transcripts: intron variant (3).
Genome position (GRCh38, 1-based): chr1:23,044,474, G>A. VCF-style: chr1-23044474-G-A. GRCh37 (hg19) VCF-style: chr1-23370967-G-A.
Other names: c.565G>A, p.Gly189Ser (NM_001410762.1); c.518-5913G>A (NM_001363654.2, NM_001410763.1, NM_015013.4); short protein forms G189S.
Identifiers: ClinVar variation 3863274 (VCV003863274.2).
Genomic context (GRCh38, chr1:23,044,474, plus strand): 5'-TTTCCTTCCACAGGGCAAGCAGGAGGACTTCAAGACGACAGTTCTGGAGGGTATGGAGAC[G>A]GCCAAGCATCAGGTGAGGGTGGCATTAGATGCTTGCCACTTAGTAGCAAGAGCCGCCAAG-3'
Protein context (NP_001009999.1, residues 179-199): QDDSSGGYGD[Gly189Ser]QASGVEGAAF